The following is an entry in ClinVar:

NM_002890.3(RASA1):c.250G>C (p.Ala84Pro)

Gene: RASA1 (RAS p21 protein activator 1; plus strand). Cytogenetic location: 5q14.3.
Variant type: single nucleotide variant.
Coding change: c.250G>C on transcript NM_002890.3 (MANE Select); coding-DNA position 250, G replaced by C.
Protein change: p.Ala84Pro; replaces alanine 84 with proline.
Molecular consequence: missense variant.
Genome position (GRCh38, 1-based): chr5:87,268,701, G>C. VCF-style: chr5-87268701-G-C. GRCh37 (hg19) VCF-style: chr5-86564518-G-C.
Other names: short protein forms A84P.
Identifiers: ClinVar variation 1792381 (VCV001792381.7), dbSNP rs762035553, ClinGen allele CA122462665.

ClinVar aggregate classification (germline): Uncertain significance. Review status: criteria provided, multiple submitters, no conflicts (2 of 4 stars). 2 submissions from 2 submitters: Uncertain significance (2). Last evaluated 2024-03-16.

Conditions:
Capillary malformation-arteriovenous malformation syndrome. Also called: Capillary malformation-arteriovenous malformation. Identifiers: Orphanet 137667, MedGen C1842180, MONDO:0012016.
Cardiovascular phenotype. Identifiers: MedGen CN230736.

Allele frequency attached by ClinVar (database versions not stated): gnomAD 0.00001; gnomAD exomes 0.00001.
gnomAD v4.1: 16 of 1,611,790 alleles (0.00099%); highest among the groups gnomAD compares: Non-Finnish European, 0.0013%; no homozygotes.

Submissions (2):

Labcorp Genetics (formerly Invitae), Labcorp
Classification: Uncertain significance for Capillary malformation-arteriovenous malformation syndrome. Last evaluated: 2024-03-16. Review status: criteria provided, single submitter. Criteria: Invitae Variant Classification Sherloc (09022015). Collection method: clinical testing. Allele origin: germline.
Comment: This sequence change replaces alanine, which is neutral and non-polar, with proline, which is neutral and non-polar, at codon 84 of the RASA1 protein (p.Ala84Pro). This variant is present in population databases (rs762035553, gnomAD 0.003%). This variant has not been reported in the literature in individuals affected with RASA1-related conditions. ClinVar contains an entry for this variant (Variation ID: 1792381). An algorithm developed to predict the effect of missense changes on protein structure and function (PolyPhen-2) suggests that this variant is likely to be disruptive. In summary, the available evidence is currently insufficient to determine the role of this variant in disease. Therefore, it has been classified as a Variant of Uncertain Significance.

Ambry Genetics
Classification: Uncertain significance for Cardiovascular phenotype. Last evaluated: 2021-07-12. Review status: criteria provided, single submitter. Criteria: Ambry Variant Classification Scheme 2023. Collection method: clinical testing. Allele origin: germline.
Comment: The p.A84P variant (also known as c.250G>C), located in coding exon 1 of the RASA1 gene, results from a G to C substitution at nucleotide position 250. The alanine at codon 84 is replaced by proline, an amino acid with highly similar properties. This amino acid position is conserved. In addition, this alteration is predicted to be tolerated by in silico analysis. Since supporting evidence is limited at this time, the clinical significance of this alteration remains unclear.